The following is an entry in ClinVar:

ClinVar aggregate classification (germline): Benign/Likely benign. Review status: criteria provided, multiple submitters, no conflicts (2 of 4 stars). 14 submissions from 14 submitters: Benign (11); Likely benign (2). 1 of the submissions does not count toward it. Last evaluated 2026-02-04.

Conditions:
Retinal dystrophy. Also called: Inherited retinal dystrophy. Identifiers: Orphanet 71862, MedGen C0854723, MeSH D058499, MONDO:0019118, HP:0000556.
Retinitis pigmentosa 39 (RP39). Identifiers: Orphanet 791, MedGen C3151138, MONDO:0013436, OMIM 613809.
Usher syndrome type 2A. Also called: RETINAL DISEASE IN USHER SYNDROME TYPE IIA, MODIFIER OF; USHER SYNDROME, TYPE IIA. Identifiers: Orphanet 231178, Orphanet 886, MedGen C1848634, MONDO:0010169, OMIM 276901.

Allele frequency attached by ClinVar (database versions not stated): ESP Exome Variant Server 0.04636; gnomAD 0.04760 and 0.04967; gnomAD exomes 0.04854 and 0.05226; ExAC 0.05199; TOPMed 0.05271; 1000 Genomes Project 0.07768; 1000 Genomes Project 30x 0.07776.
gnomAD v4.1: 79,006 of 1,613,538 alleles (4.9%); highest among the groups gnomAD compares: East Asian, 14%; 2,469 homozygotes.

Submissions (14):

Labcorp Genetics (formerly Invitae), Labcorp
Classification: Benign. Last evaluated: 2026-02-04. Review status: criteria provided, single submitter. Criteria: Invitae Variant Classification Sherloc (09022015). Collection method: clinical testing. Allele origin: germline.

ARUP Laboratories, Molecular Genetics and Genomics, ARUP Laboratories
Classification: Benign. Last evaluated: 2023-11-29. Review status: criteria provided, single submitter. Criteria: ARUP Molecular Germline Variant Investigation Process 2024. Collection method: clinical testing. Allele origin: germline.

Dept Of Ophthalmology, Nagoya University
Classification: Benign for Retinal dystrophy. Last evaluated: 2023-10-01. Review status: criteria provided, single submitter. Criteria: Submitter's publication. Collection method: research. Allele origin: germline. Affected: yes.

Fulgent Genetics
Classification: Benign for Usher syndrome type 2A; Retinitis pigmentosa 39. Last evaluated: 2022-01-04. Review status: criteria provided, single submitter. Criteria: ACMG Guidelines, 2015. Collection method: clinical testing. Allele origin: unknown.

Women's Health and Genetics/Laboratory Corporation of America, LabCorp
Classification: Likely benign. Last evaluated: 2021-12-10. Review status: criteria provided, single submitter. Criteria: LabCorp Variant Classification Summary - May 2015. Collection method: clinical testing. Allele origin: germline.

Genome-Nilou Lab
Classification: Benign for Usher syndrome type 2A. Last evaluated: 2021-07-01. Review status: criteria provided, single submitter. Criteria: ACMG Guidelines, 2015. Collection method: clinical testing. Allele origin: germline. Affected: no.

Mayo Clinic Laboratories, Mayo Clinic
Classification: Benign. Last evaluated: 2021-03-29. Review status: criteria provided, single submitter. Criteria: ACMG Guidelines, 2015. Collection method: clinical testing. Allele origin: germline. Observed: 8 variant alleles.

GeneDx
Classification: Benign. Last evaluated: 2019-01-16. Review status: criteria provided, single submitter. Criteria: GeneDx Variant Classification Process June 2021. Collection method: clinical testing. Allele origin: germline. Affected: yes.
Comment: This variant is associated with the following publications: (PMID: 19737284, 21569298, 25528277, 17085681, 18273898, 30245029)

Center for Pediatric Genomic Medicine, Children's Mercy Hospital and Clinics
Classification: Benign. Last evaluated: 2016-07-22. Review status: criteria provided, single submitter. Criteria: ACMG Guidelines, 2015. Collection method: clinical testing. Allele origin: germline.

Eurofins Ntd Llc (ga)
Classification: Benign. Last evaluated: 2015-10-15. Review status: criteria provided, single submitter. Criteria: EGL Classification Definitions 2015. Collection method: clinical testing. Allele origin: germline. Observed: 1 variant allele, 1 heterozygote.

Laboratory for Molecular Medicine, Mass General Brigham Personalized Medicine
Classification: Benign. Last evaluated: 2009-06-24. Review status: criteria provided, single submitter. Criteria: LMM Criteria. Collection method: clinical testing. Allele origin: germline. Observed: 209 variant alleles.

Breakthrough Genomics
Classification: Likely benign. Review status: criteria provided, single submitter. Criteria: ACMG Guidelines, 2015. Collection method: not provided. Allele origin: germline. Inheritance: Autosomal recessive inheritance. Affected: yes.

PreventionGenetics, part of Exact Sciences
Classification: Benign. Review status: criteria provided, single submitter. Criteria: ACMG Guidelines, 2015. Collection method: clinical testing. Allele origin: germline.

Natera, Inc.
Classification: Benign for Usher syndrome type 2A. Last evaluated: 2020-09-16. Review status: no assertion criteria provided. Collection method: clinical testing. Allele origin: germline. Not counted in ClinVar's aggregate classification.

Literature cited by the submitters: PubMed 18273898 (cited by Laboratory for Molecular Medicine, Mass General Brigham Personalized Medicine); PubMed 17085681 (cited by Laboratory for Molecular Medicine, Mass General Brigham Personalized Medicine).

NM_206933.4(USH2A):c.8656C>T (p.Leu2886Phe)

Gene: USH2A (usherin; minus strand). Cytogenetic location: 1q41.
Variant type: single nucleotide variant.
Coding change: c.8656C>T on transcript NM_206933.4 (MANE Select); coding-DNA position 8656, C replaced by T.
Protein change: p.Leu2886Phe; replaces leucine 2886 with phenylalanine.
Molecular consequence: missense variant.
Genome position (GRCh38, 1-based): chr1:215,877,783, G>A on the plus strand (C>T on the coding strand, the complement: USH2A is on the minus strand). VCF-style: chr1-215877783-G-A. GRCh37 (hg19) VCF-style: chr1-216051125-G-A.
Other names: short protein forms L2886F.
Identifiers: ClinVar variation 48607 (VCV000048607.40), dbSNP rs41277200, ClinGen allele CA143636.